The following is an entry in ClinVar:

ClinVar aggregate classification (germline): Pathogenic (1 of 4 stars; one submission).

Conditions:
Mucopolysaccharidosis type 1. Also called: IDUA deficiency; MPS I; Mucopolysaccharidosis Type I. Identifiers: Orphanet 579, MedGen C0023786, MONDO:0001586.

Submission:

Labcorp Genetics (formerly Invitae), Labcorp
Classification: Pathogenic for Mucopolysaccharidosis type 1. Last evaluated: 2023-09-21. Review status: criteria provided, single submitter. Criteria: Invitae Variant Classification Sherloc (09022015). Collection method: clinical testing. Allele origin: germline.
Comment: This variant is not present in population databases (gnomAD no frequency). This variant has not been reported in the literature in individuals affected with IDUA-related conditions. ClinVar contains an entry for this variant (Variation ID: 1350742). For these reasons, this variant has been classified as Pathogenic. This sequence change creates a premature translational stop signal (p.Leu346*) in the IDUA gene. It is expected to result in an absent or disrupted protein product. Loss-of-function variants in IDUA are known to be pathogenic (PMID: 11735025, 21480867).

Literature cited by the submitters: PubMed 11735025; PubMed 21480867.

NM_000203.5(IDUA):c.1036del (p.Leu345_Leu346insTer)

Gene: IDUA (alpha-L-iduronidase; plus strand). Cytogenetic location: 4p16.3.
Variant type: Deletion.
Coding change: c.1036del on transcript NM_000203.5 (MANE Select); coding-DNA position 1036, one base deleted (C; older notation c.1036delC).
Protein change: p.Leu345_Leu346insTer.
Molecular consequence: nonsense. On other transcripts: non-coding transcript variant (1).
Genome position (GRCh38, 1-based): chr4:1,002,332, C deleted; the last of 2 consecutive C bases (chr4:1,002,331-1,002,332); deleting either gives the same sequence. VCF-style (leftmost placement, unchanged base first): chr4-1002330-TC-T. GRCh37 (hg19) VCF-style: chr4-996118-TC-T.
Other names: c.640del, p.Leu213_Leu214insTer (NM_001363576.1).
Identifiers: ClinVar variation 1350742 (VCV001350742.6), dbSNP rs2153022341, ClinGen allele CA2573137569.